The following is an entry in ClinVar:

ClinVar aggregate classification (germline): Uncertain significance (1 of 4 stars; one submission).

gnomAD v4.1: 2 of 1,614,140 alleles (0.00012%); highest among the groups gnomAD compares: Non-Finnish European, 0.00017%; no homozygotes.

Submission:

Labcorp Genetics (formerly Invitae), Labcorp
Classification: Uncertain significance. Last evaluated: 2022-12-01. Review status: criteria provided, single submitter. Criteria: Invitae Variant Classification Sherloc (09022015). Collection method: clinical testing. Allele origin: germline.
Comment: In summary, the available evidence is currently insufficient to determine the role of this variant in disease. Therefore, it has been classified as a Variant of Uncertain Significance. Advanced modeling of protein sequence and biophysical properties (such as structural, functional, and spatial information, amino acid conservation, physicochemical variation, residue mobility, and thermodynamic stability) performed at Invitae indicates that this missense variant is not expected to disrupt MYH9 protein function. This variant has not been reported in the literature in individuals affected with MYH9-related conditions. This variant is not present in population databases (gnomAD no frequency). This sequence change replaces glycine, which is neutral and non-polar, with tryptophan, which is neutral and slightly polar, at codon 1227 of the MYH9 protein (p.Gly1227Trp).

NM_002473.6(MYH9):c.3679G>T (p.Gly1227Trp)

Gene: MYH9 (myosin heavy chain 9; minus strand). Cytogenetic location: 22q12.3.
Variant type: single nucleotide variant.
Coding change: c.3679G>T on transcript NM_002473.6 (MANE Select); coding-DNA position 3679, G replaced by T.
Protein change: p.Gly1227Trp; replaces glycine 1227 with tryptophan.
Molecular consequence: missense variant.
Genome position (GRCh38, 1-based): chr22:36,294,250, C>A on the plus strand (G>T on the coding strand, the complement: MYH9 is on the minus strand). VCF-style: chr22-36294250-C-A. GRCh37 (hg19) VCF-style: chr22-36690296-C-A.
Other names: short protein forms G1227W.
Identifiers: ClinVar variation 2775970 (VCV002775970.3), dbSNP rs2517961458, ClinGen allele CA411386736.